The following is an entry in ClinVar:

ClinVar aggregate classification (germline): Likely benign (1 of 4 stars; one submission).

Allele frequency attached by ClinVar (database versions not stated): gnomAD exomes 0.00002; ExAC 0.00006; gnomAD 0.00014; 1000 Genomes Project 30x 0.00016; ESP Exome Variant Server 0.00016; TOPMed 0.00018; 1000 Genomes Project 0.00020.
gnomAD v4.1: 57 of 1,611,280 alleles (0.0035%); highest among the groups gnomAD compares: African/African-American, 0.059%; no homozygotes.

Submission:

CeGaT Center for Human Genetics Tuebingen
Classification: Likely benign. Last evaluated: 2024-02-01. Review status: criteria provided, single submitter. Criteria: CeGaT Center For Human Genetics Tuebingen Variant Classification Criteria Version 2. Collection method: clinical testing. Allele origin: germline. Affected: yes. Observed: 1 variant allele.
Comment: LINGO1: BP4, BP7

NM_032808.7(LINGO1):c.1458C>T (p.Tyr486=)

Gene: LINGO1 (leucine rich repeat and Ig domain containing 1; minus strand). Cytogenetic location: 15q24.3.
Variant type: single nucleotide variant.
Coding change: c.1458C>T on transcript NM_032808.7 (MANE Select); coding-DNA position 1458, C replaced by T.
Protein change: p.Tyr486=; no amino-acid change (tyrosine 486 retained).
Molecular consequence: synonymous variant.
Genome position (GRCh38, 1-based): chr15:77,614,449, G>A on the plus strand (C>T on the coding strand, the complement: LINGO1 is on the minus strand). VCF-style: chr15-77614449-G-A. GRCh37 (hg19) VCF-style: chr15-77906791-G-A.
Other names: c.1440C>T, p.Tyr480= (NM_001301186.2, NM_001301187.2, NM_001301189.2 and 8 more transcripts).
Identifiers: ClinVar variation 3026031 (VCV003026031.22), dbSNP rs199659139, ClinGen allele CA7677782.